The following is an entry in ClinVar:

ClinVar aggregate classification (germline): Uncertain significance (1 of 4 stars; one submission).

Allele frequency attached by ClinVar (database versions not stated): gnomAD exomes 0.00003; ExAC 0.00010; 1000 Genomes Project 30x 0.00016; gnomAD 0.00037; ESP Exome Variant Server 0.00039; TOPMed 0.00055.
gnomAD v4.1: 107 of 1,607,744 alleles (0.0067%); highest among the groups gnomAD compares: African/African-American, 0.13%; no homozygotes.

Submission:

Labcorp Genetics (formerly Invitae), Labcorp
Classification: Uncertain significance. Last evaluated: 2024-02-17. Review status: criteria provided, single submitter. Criteria: Invitae Variant Classification Sherloc (09022015). Collection method: clinical testing. Allele origin: germline.
Comment: This sequence change replaces alanine, which is neutral and non-polar, with valine, which is neutral and non-polar, at codon 3293 of the LAMA5 protein (p.Ala3293Val). This variant is present in population databases (rs139651789, gnomAD 0.1%). This variant has not been reported in the literature in individuals affected with LAMA5-related conditions. ClinVar contains an entry for this variant (Variation ID: 2062935). Algorithms developed to predict the effect of missense changes on protein structure and function output the following: SIFT: "Not Available"; PolyPhen-2: "Benign"; Align-GVGD: "Not Available". The valine amino acid residue is found in multiple mammalian species, which suggests that this missense change does not adversely affect protein function. In summary, the available evidence is currently insufficient to determine the role of this variant in disease. Therefore, it has been classified as a Variant of Uncertain Significance.

NM_005560.6(LAMA5):c.9878C>T (p.Ala3293Val)

Gene: LAMA5 (laminin subunit alpha 5; minus strand). Cytogenetic location: 20q13.33.
Variant type: single nucleotide variant.
Coding change: c.9878C>T on transcript NM_005560.6 (MANE Select); coding-DNA position 9878, C replaced by T.
Protein change: p.Ala3293Val; replaces alanine 3293 with valine.
Molecular consequence: missense variant.
Genome position (GRCh38, 1-based): chr20:62,311,465, G>A on the plus strand (C>T on the coding strand, the complement: LAMA5 is on the minus strand). VCF-style: chr20-62311465-G-A. GRCh37 (hg19) VCF-style: chr20-60886521-G-A.
Other names: short protein forms A3293V.
Identifiers: ClinVar variation 2062935 (VCV002062935.3), dbSNP rs139651789, ClinGen allele CA9940016.